The following is an entry in ClinVar:

ClinVar aggregate classification (germline): Pathogenic (1 of 4 stars; one submission).

Conditions:
Mandibulofacial dysostosis-microcephaly syndrome (MFDGA). Also called: Growth and mental retardation, mandibulofacial dysostosis, microcephaly, and cleft palate; Mandibulofacial dysostosis, Guion-Almeida type. Identifiers: Orphanet 79113, MedGen C1864652, MONDO:0012516, OMIM 610536.

Submission:

Genetics and Molecular Pathology, SA Pathology
Classification: Pathogenic for Mandibulofacial dysostosis-microcephaly syndrome. Last evaluated: 2020-06-10. Review status: criteria provided, single submitter. Criteria: ACMG Guidelines, 2015. Collection method: clinical testing. Allele origin: germline. Affected: yes.
Comment: The EFTUD2 c.1614+1G>A variant is a single nucleotide change from a guanine to an adenine at position 1614 which is located in a splice donor region. Splice site variants are a common mechanism of loss of function in the EFTUD2 gene (PMID: 26507355). The variant is located in intron 17 of 27 and abolition of this canonical splice site is predicted to produce a protein which would undergo nonsense mediated decay (PVS1). The EFTUD2 c.1614+1G>A variant has not been described in the literature to date. The variant has not been reported in dbSNP and is absent from population databases (PM2). The variant has not been reported in the ClinVar or HGMD disease databases. A variant affecting the splice acceptor site of this intron has been reported in the Leiden Open Variation Database as likely pathogenic in an individual with MFDGA.

Literature cited by the submitters: PubMed 26507355.

NM_004247.4(EFTUD2):c.1719+1G>A

Gene: EFTUD2 (elongation factor Tu GTP binding domain containing 2; minus strand). Cytogenetic location: 17q21.31.
Variant type: single nucleotide variant.
Coding change: c.1719+1G>A on transcript NM_004247.4 (MANE Select); the canonical splice donor site of the intron after coding-DNA position 1719, G replaced by A.
Molecular consequence: splice donor variant.
Genome position (GRCh38, 1-based): chr17:44,860,431, C>T on the plus strand (G>A on the coding strand, the complement: EFTUD2 is on the minus strand). VCF-style: chr17-44860431-C-T. GRCh37 (hg19) VCF-style: chr17-42937799-C-T.
Other names: c.1614+1G>A (NM_001142605.2); c.1689+1G>A (NM_001258354.2); c.1719+1G>A (NM_001258353.2).
Identifiers: ClinVar variation 1698725 (VCV001698725.2), dbSNP rs2145460853, ClinGen allele CA399812153.